The following is an entry in ClinVar:

NM_000180.4(GUCY2D):c.2185G>A (p.Val729Ile)

Gene: GUCY2D (guanylate cyclase 2D, retinal; plus strand). Cytogenetic location: 17p13.1.
Variant type: single nucleotide variant.
Coding change: c.2185G>A on transcript NM_000180.4 (MANE Select); coding-DNA position 2185, G replaced by A.
Protein change: p.Val729Ile; replaces valine 729 with isoleucine.
Molecular consequence: missense variant.
Genome position (GRCh38, 1-based): chr17:8,013,174, G>A. VCF-style: chr17-8013174-G-A. GRCh37 (hg19) VCF-style: chr17-7916492-G-A.
Other names: short protein forms V729I.
Identifiers: ClinVar variation 2164936 (VCV002164936.1), dbSNP rs759619180, ClinGen allele CA8366040.
Genomic context (GRCh38, chr17:8,013,174, plus strand): 5'-ACAGCCCCGGAGCTGCTTAGGGACCCAGCCCTGGAGCGCCGGGGAACGCTGGCCGGCGAC[G>A]TCTTTAGCTTGGCCATCATCATGCAAGAAGTAGTGTGCCGCAGTGCCCCTTATGCCATGC-3'
Protein context (NP_000171.1, residues 719-739): LERRGTLAGD[Val729Ile]FSLAIIMQEV

ClinVar aggregate classification (germline): Uncertain significance (1 of 4 stars; one submission).

Conditions:
Cone-rod dystrophy 6 (CORD6). Also called: RETINAL CONE DYSTROPHY 2; Cone dystrophy progressive. Identifiers: Orphanet 1872, MedGen C1866293, MONDO:0011143, OMIM 601777.
Leber congenital amaurosis 1 (LCA1). Also called: RETINAL BLINDNESS, CONGENITAL; AMAUROSIS CONGENITA OF LEBER I; Congenital absence of the rods and cones; Leber's congenital tapetoretinal degeneration; Leber's congenital tapetoretinal dysplasia. Identifiers: Orphanet 65, MedGen C2931258, MONDO:0008764, OMIM 204000.

Allele frequency attached by ClinVar (database versions not stated): ExAC 0.00001; gnomAD 0.00001; TOPMed 0.00001.
gnomAD v4.1: 12 of 1,613,932 alleles (0.00074%); highest among the groups gnomAD compares: East Asian, 0.011%; no homozygotes.

Submission:

Labcorp Genetics (formerly Invitae), Labcorp
Classification: Uncertain significance for Leber congenital amaurosis 1; Cone-rod dystrophy 6. Last evaluated: 2022-09-01. Review status: criteria provided, single submitter. Criteria: Invitae Variant Classification Sherloc (09022015). Collection method: clinical testing. Allele origin: germline.
Comment: This sequence change replaces valine, which is neutral and non-polar, with isoleucine, which is neutral and non-polar, at codon 729 of the GUCY2D protein (p.Val729Ile). This variant is present in population databases (rs759619180, gnomAD 0.01%). This variant has not been reported in the literature in individuals affected with GUCY2D-related conditions. Algorithms developed to predict the effect of missense changes on protein structure and function are either unavailable or do not agree on the potential impact of this missense change (SIFT: "Deleterious"; PolyPhen-2: "Benign"; Align-GVGD: "Class C25"). In summary, the available evidence is currently insufficient to determine the role of this variant in disease. Therefore, it has been classified as a Variant of Uncertain Significance.